The following is an entry in ClinVar:

ClinVar aggregate classification (germline): Likely pathogenic (1 of 4 stars; one submission).

Conditions:
Familial adenomatous polyposis 1 (FAP1). Also called: FAMILIAL ADENOMATOUS POLYPOSIS 1, ATTENUATED; POLYPOSIS, ADENOMATOUS INTESTINAL. Identifiers: MedGen C2713442, MONDO:0021056, OMIM 175100. Disease mechanism: loss of function.

Submission:

Myriad Genetics, Inc.
Classification: Likely pathogenic for Familial adenomatous polyposis 1. Last evaluated: 2023-05-01. Review status: criteria provided, single submitter. Criteria: Myriad Autosomal Dominant, Autosomal Recessive and X-Linked Classification Criteria (2023). Collection method: clinical testing. Allele origin: unknown.
Comment: This variant is considered likely pathogenic. Functional studies indicate this variant impacts protein function [PMID: 8125478, 15459959, 15833136].

Literature cited by the submitters: PubMed 8125478; PubMed 15459959; PubMed 15833136.

NM_000038.6(APC):c.1312+3_1312+6del

Gene: APC (APC regulator of Wnt signaling pathway; plus strand). Cytogenetic location: 5q22.2.
Variant type: Deletion.
Coding change: c.1312+3_1312+6del on transcript NM_000038.6 (MANE Select); bases 3 to 6 of the intron after coding-DNA position 1312, 4 bases deleted (ATGT; older notation c.1312+3_1312+6delATGT).
Molecular consequence: splice donor variant.
Genome position (GRCh38, 1-based): chr5:112,819,347-112,819,350, ATGT deleted; deleting any 4 consecutive bases within chr5:112,819,345-112,819,350 gives the same sequence; the c. name uses the placement nearest the transcript's 3' end. VCF-style (leftmost placement, unchanged base first): chr5-112819344-AGTAT-A. GRCh37 (hg19) VCF-style: chr5-112155041-AGTAT-A.
Other names: c.463+3_463+6del (NM_001407470.1, NM_001354906.2); c.160+3_160+6del (NM_001407472.1, NM_001407471.1); c.1312+3_1312+6del (NM_001407447.1, NM_001354895.2, NM_001407448.1 and 4 more transcripts); c.1009+3_1009+6del (NM_001407456.1, NM_001407460.1, NM_001407457.1 and 5 more transcripts); c.1228+3_1228+6del (NM_001407452.1, NM_001354899.2); c.925+3_925+6del (NM_001407469.1, NM_001407467.1); c.1342+3_1342+6del (NM_001407446.1, NM_001354897.2); c.1039+3_1039+6del (NM_001354902.2); and 5 more.
Identifiers: ClinVar variation 2584149 (VCV002584149.2), dbSNP rs2533062253, ClinGen allele CA2582341287.